The following is an entry in ClinVar:

ClinVar aggregate classification (germline): Conflicting classifications of pathogenicity. Review status: criteria provided, conflicting classifications (1 of 4 stars). 5 submissions from 5 submitters: Uncertain significance (2); Likely benign (1). 2 of the submissions do not count toward it. Last evaluated 2022-10-28.

Conditions:
Joubert syndrome. Also called: Familial aplasia of the vermis; JOUBERT-BOLTSHAUSER SYNDROME. Identifiers: Orphanet 475, MedGen C5979921, MONDO:0018772.
Meckel-Gruber syndrome. Also called: Dysencephalia splachnocystica; DYSENCEPHALIA SPLANCHNOCYSTICA; GRUBER SYNDROME. Identifiers: Orphanet 564, MedGen C0265215, MONDO:0018921.
RPGRIP1L-related disorder. Also called: RPGRIP1L-related disorders; RPGRIP1L-related condition. Identifiers: MedGen CN239416.

Allele frequency attached by ClinVar (database versions not stated): gnomAD exomes 0.00003 and 0.00002; gnomAD 0.00004 and 0.00003; ExAC 0.00002; TOPMed 0.00002.
gnomAD v4.1: 53 of 1,606,764 alleles (0.0033%); highest among the groups gnomAD compares: Non-Finnish European, 0.0044%; no homozygotes.

Submissions (5):

Blueprint Genetics
Classification: Likely benign. Last evaluated: 2022-10-28. Review status: criteria provided, single submitter. Criteria: ACMG Guidelines, 2015. Collection method: clinical testing. Allele origin: germline.

Labcorp Genetics (formerly Invitae), Labcorp
Classification: Uncertain significance for Joubert syndrome; Meckel-Gruber syndrome. Last evaluated: 2021-12-23. Review status: criteria provided, single submitter. Criteria: Invitae Variant Classification Sherloc (09022015). Collection method: clinical testing. Allele origin: germline.
Comment: This sequence change falls in intron 12 of the RPGRIP1L gene. It does not directly change the encoded amino acid sequence of the RPGRIP1L protein. It affects a nucleotide within the consensus splice site. This variant is present in population databases (rs727503880, gnomAD 0.005%). This variant has not been reported in the literature in individuals affected with RPGRIP1L-related conditions. ClinVar contains an entry for this variant (Variation ID: 166917). Variants that disrupt the consensus splice site are a relatively common cause of aberrant splicing (PMID: 17576681, 9536098). Algorithms developed to predict the effect of sequence changes on RNA splicing suggest that this variant may disrupt the consensus splice site. In summary, the available evidence is currently insufficient to determine the role of this variant in disease. Therefore, it has been classified as a Variant of Uncertain Significance.

Eurofins Ntd Llc (ga)
Classification: Uncertain significance. Last evaluated: 2014-01-17. Review status: criteria provided, single submitter. Criteria: EGL Classification Definitions 2015. Collection method: clinical testing. Allele origin: germline. Observed: 1 variant allele, 1 heterozygote.

PreventionGenetics, part of Exact Sciences
Classification: Likely benign for RPGRIP1L-related condition. Last evaluated: 2023-10-04. Review status: no assertion criteria provided. Collection method: clinical testing. Allele origin: germline. Not counted in ClinVar's aggregate classification.
Comment: This variant is classified as likely benign based on ACMG/AMP sequence variant interpretation guidelines (Richards et al. 2015 PMID: 25741868, with internal and published modifications).

Natera, Inc.
Classification: Uncertain significance for Joubert syndrome. Last evaluated: 2020-06-11. Review status: no assertion criteria provided. Collection method: clinical testing. Allele origin: germline. Not counted in ClinVar's aggregate classification.

Literature cited by the submitters: PubMed 17576681 (cited by Labcorp Genetics (formerly Invitae), Labcorp); PubMed 9536098 (cited by Labcorp Genetics (formerly Invitae), Labcorp).

NM_015272.5(RPGRIP1L):c.1401+4A>G

Gene: RPGRIP1L (RPGRIP1 like; minus strand). Cytogenetic location: 16q12.2.
Variant type: single nucleotide variant.
Coding change: c.1401+4A>G on transcript NM_015272.5 (MANE Select); 4 bases into the intron after coding-DNA position 1401, A replaced by G.
Molecular consequence: intron variant.
Genome position (GRCh38, 1-based): chr16:53,658,410, T>C on the plus strand (A>G on the coding strand, the complement: RPGRIP1L is on the minus strand). VCF-style: chr16-53658410-T-C. GRCh37 (hg19) VCF-style: chr16-53692322-T-C.
Other names: c.1401+4A>G (NM_001127897.4, NM_001330538.2, NM_001308334.3 and 1 more transcripts).
Identifiers: ClinVar variation 166917 (VCV000166917.11), dbSNP rs727503880, ClinGen allele CA233794.